The following is an entry in ClinVar:

NM_001004434.3(SLC30A2):c.494G>A (p.Arg165Gln)

Gene: SLC30A2 (solute carrier family 30 member 2; minus strand). Cytogenetic location: 1p36.11.
Variant type: single nucleotide variant.
Coding change: c.494G>A on transcript NM_001004434.3 (MANE Select); coding-DNA position 494, G replaced by A.
Protein change: p.Arg165Gln; replaces arginine 165 with glutamine.
Molecular consequence: missense variant.
Genome position (GRCh38, 1-based): chr1:26,043,476, C>T on the plus strand (G>A on the coding strand, the complement: SLC30A2 is on the minus strand). VCF-style: chr1-26043476-C-T. GRCh37 (hg19) VCF-style: chr1-26369967-C-T.
Other names: c.347G>A, p.Arg116Gln (NM_032513.5); short protein forms R116Q, R165Q.
Identifiers: ClinVar variation 4529523 (VCV004529523.1).
Genomic context (GRCh38, chr1:26,043,476, plus strand): 5'-GCGCAGCCCGACGTGATCAGCATGGTCCCCCCGTCAATTTCATAGTCCCCAGAGATCAGC[C>T]GCTCCACAGCCAGGTACACCAGTACCCCCGTCACGACCCAGATGGACAGTACAGAGACCA-3'
Protein context (NP_001004434.1, residues 155-175): TGVLVYLAVE[Arg165Gln]LISGDYEIDG

ClinVar aggregate classification (germline): Uncertain significance (1 of 4 stars; one submission).

gnomAD v4.1: 29 of 1,613,996 alleles (0.0018%); highest among the groups gnomAD compares: African/African-American, 0.008%; no homozygotes.

Submission:

GeneDx
Classification: Uncertain significance. Last evaluated: 2025-05-13. Review status: criteria provided, single submitter. Criteria: GeneDx Variant Classification Process June 2021. Collection method: clinical testing. Allele origin: germline. Affected: yes.
Comment: In silico analysis supports that this missense variant has a deleterious effect on protein structure/function; Has not been previously published as pathogenic or benign to our knowledge